The following is an entry in ClinVar:

ClinVar aggregate classification (germline): Uncertain significance (1 of 4 stars; one submission).

Conditions:
Usher syndrome type 3B. Also called: USHER SYNDROME, TYPE IIIB. Identifiers: MedGen C3281066, MONDO:0013788, OMIM 614504.

Submission:

Labcorp Genetics (formerly Invitae), Labcorp
Classification: Uncertain significance for Usher syndrome type 3B. Last evaluated: 2017-12-18. Review status: criteria provided, single submitter. Criteria: Invitae Variant Classification Sherloc (09022015). Collection method: clinical testing. Allele origin: germline.
Comment: This variant is not present in population databases (ExAC no frequency). In summary, the available evidence is currently insufficient to determine the role of this variant in disease. Therefore, it has been classified as a Variant of Uncertain Significance. Algorithms developed to predict the effect of missense changes on protein structure and function do not agree on the potential impact of this missense change (SIFT: "Deleterious"; PolyPhen-2: "Possibly Damaging"; Align-GVGD: "Class C0"). This variant has not been reported in the literature in individuals with HARS-related disease. This sequence change replaces valine with methionine at codon 334 of the HARS protein (p.Val334Met). The valine residue is moderately conserved and there is a small physicochemical difference between valine and methionine.

NM_002109.6(HARS1):c.1000G>A (p.Val334Met)

Gene: HARS1 (histidyl-tRNA synthetase 1; minus strand). Cytogenetic location: 5q31.3.
Variant type: single nucleotide variant.
Coding change: c.1000G>A on transcript NM_002109.6 (MANE Select); coding-DNA position 1000, G replaced by A.
Protein change: p.Val334Met; replaces valine 334 with methionine.
Molecular consequence: missense variant.
Genome position (GRCh38, 1-based): chr5:140,676,848, C>T on the plus strand (G>A on the coding strand, the complement: HARS1 is on the minus strand). VCF-style: chr5-140676848-C-T. GRCh37 (hg19) VCF-style: chr5-140056433-C-T.
Other names: c.880G>A, p.Val294Met (NM_001258040.3); c.940G>A, p.Val314Met (NM_001258041.3); c.820G>A, p.Val274Met (NM_001258042.3); c.778G>A, p.Val260Met (NM_001289092.2); c.658G>A, p.Val220Met (NM_001289093.2); c.913G>A, p.Val305Met (NM_001289094.2); short protein forms V334M, V220M, V305M, V314M, V260M, V274M, V294M.
Identifiers: ClinVar variation 540200 (VCV000540200.8), dbSNP rs1554106875, ClinGen allele CA361251849.
Genomic context (GRCh38, chr5:140,676,848, plus strand): 5'-CACCCAGGGGCTCTTCCCCTGCCTGGGCTGGGGTCTGTAGCAGCACTGCCTCATAGATCA[C>T]CCCAGTGTAGTAATCCAGCCCTCGAGCAAGGCTCAGGTCAAAGGAGATCTGTGGAGATAA-3'
Protein context (NP_002100.2, residues 324-344): LARGLDYYTG[Val334Met]IYEAVLLQTP